The following is an entry in ClinVar:

NM_001852.4(COL9A2):c.1732C>G (p.Pro578Ala)

Gene: COL9A2 (collagen type IX alpha 2 chain; minus strand). Cytogenetic location: 1p34.2.
Variant type: single nucleotide variant.
Coding change: c.1732C>G on transcript NM_001852.4 (MANE Select); coding-DNA position 1732, C replaced by G.
Protein change: p.Pro578Ala; replaces proline 578 with alanine.
Molecular consequence: missense variant.
Genome position (GRCh38, 1-based): chr1:40,302,681, G>C on the plus strand (C>G on the coding strand, the complement: COL9A2 is on the minus strand). VCF-style: chr1-40302681-G-C. GRCh37 (hg19) VCF-style: chr1-40768353-G-C.
Other names: short protein forms P578A.
Identifiers: ClinVar variation 297293 (VCV000297293.18), dbSNP rs528002132, ClinGen allele CA791352.

ClinVar aggregate classification (germline): Uncertain significance. Review status: criteria provided, multiple submitters, no conflicts (2 of 4 stars). 6 submissions from 6 submitters: Uncertain significance (6). Last evaluated 2026-01-09.

Conditions:
Inborn genetic diseases. Identifiers: MedGen C0950123, MeSH D030342.
Epiphyseal dysplasia, multiple, 2 (EDM2). Also called: COL9A2-Related Multiple Epiphyseal Dysplasia. Identifiers: MedGen C1838429, MONDO:0010844, OMIM 600204.
Stickler syndrome, type 5 (STL5). Also called: COL9A2-Related Stickler Syndrome. Identifiers: Orphanet 250984, Orphanet 828, MedGen C3280342, MONDO:0013666, OMIM 614284.

Allele frequency attached by ClinVar (database versions not stated): gnomAD exomes 0.00006 and 0.00013; gnomAD 0.00008 and 0.00009; TOPMed 0.00008; ExAC 0.00012.

Submissions (6):

Labcorp Genetics (formerly Invitae), Labcorp
Classification: Uncertain significance. Last evaluated: 2026-01-09. Review status: criteria provided, single submitter. Criteria: Invitae Variant Classification Sherloc (09022015). Collection method: clinical testing. Allele origin: germline.
Comment: This sequence change replaces proline, which is neutral and non-polar, with alanine, which is neutral and non-polar, at codon 578 of the COL9A2 protein (p.Pro578Ala). This variant is present in population databases (rs528002132, gnomAD 0.01%). This variant has not been reported in the literature in individuals affected with COL9A2-related conditions. ClinVar contains an entry for this variant (Variation ID: 297293). Invitae Evidence Modeling of protein sequence and biophysical properties (such as structural, functional, and spatial information, amino acid conservation, physicochemical variation, residue mobility, and thermodynamic stability) indicates that this missense variant is not expected to disrupt COL9A2 protein function with a negative predictive value of 95%. In summary, the available evidence is currently insufficient to determine the role of this variant in disease. Therefore, it has been classified as a Variant of Uncertain Significance.

Ambry Genetics
Classification: Uncertain significance for Inborn genetic diseases. Last evaluated: 2024-12-22. Review status: criteria provided, single submitter. Criteria: Ambry Variant Classification Scheme 2023. Collection method: clinical testing. Allele origin: germline.

GeneDx
Classification: Uncertain significance. Last evaluated: 2024-10-28. Review status: criteria provided, single submitter. Criteria: GeneDx Variant Classification Process June 2021. Collection method: clinical testing. Allele origin: germline. Affected: yes.
Comment: Has not been previously published as pathogenic or benign to our knowledge; In silico analysis indicates that this missense variant does not alter protein structure/function

Blueprint Genetics
Classification: Uncertain significance. Last evaluated: 2023-11-10. Review status: criteria provided, single submitter. Criteria: ACMG Guidelines, 2015. Collection method: clinical testing. Allele origin: germline.

Fulgent Genetics
Classification: Uncertain significance for Epiphyseal dysplasia, multiple, 2; Stickler syndrome, type 5. Last evaluated: 2021-07-22. Review status: criteria provided, single submitter. Criteria: ACMG Guidelines, 2015. Collection method: clinical testing. Allele origin: unknown.

Illumina Laboratory Services, Illumina
Classification: Uncertain significance for Epiphyseal dysplasia, multiple, 2. Last evaluated: 2018-01-12. Review status: criteria provided, single submitter. Criteria: ICSL Variant Classification Criteria 13 December 2019. Collection method: clinical testing. Allele origin: germline.